The following is an entry in ClinVar:

ClinVar aggregate classification (germline): Uncertain significance (1 of 4 stars; one submission).

Conditions:
TH-deficient dopa-responsive dystonia. Also called: Tyrosine Hydroxylase-Deficient Dopa-Responsive Dystonia; Segawa syndrome, autosomal recessive; DYT-TH. Identifiers: Orphanet 101150, MedGen C2673535, MONDO:0011551, OMIM 605407.

Submission:

Labcorp Genetics (formerly Invitae), Labcorp
Classification: Uncertain significance for TH-deficient dopa-responsive dystonia. Last evaluated: 2022-02-25. Review status: criteria provided, single submitter. Criteria: Invitae Variant Classification Sherloc (09022015). Collection method: clinical testing. Allele origin: germline.
Comment: This sequence change replaces arginine, which is basic and polar, with glycine, which is neutral and non-polar, at codon 16 of the TH protein (p.Arg16Gly). This variant is not present in population databases (gnomAD no frequency). This variant has not been reported in the literature in individuals affected with TH-related conditions. Algorithms developed to predict the effect of missense changes on protein structure and function are either unavailable or do not agree on the potential impact of this missense change (SIFT: "Deleterious"; PolyPhen-2: "Probably Damaging"; Align-GVGD: "Class C0"). In summary, the available evidence is currently insufficient to determine the role of this variant in disease. Therefore, it has been classified as a Variant of Uncertain Significance.

NM_000360.4(TH):c.46A>G (p.Arg16Gly)

Gene: TH (tyrosine hydroxylase; minus strand). Cytogenetic location: 11p15.5.
Variant type: single nucleotide variant.
Coding change: c.46A>G on transcript NM_000360.4 (MANE Select); coding-DNA position 46, A replaced by G.
Protein change: p.Arg16Gly; replaces arginine 16 with glycine.
Molecular consequence: missense variant.
Genome position (GRCh38, 1-based): chr11:2,171,741, T>C on the plus strand (A>G on the coding strand, the complement: TH is on the minus strand). VCF-style: chr11-2171741-T-C. GRCh37 (hg19) VCF-style: chr11-2192971-T-C.
Other names: c.46A>G, p.Arg16Gly (NM_199292.3, NM_199293.3); short protein forms R16G.
Identifiers: ClinVar variation 1972815 (VCV001972815.2), dbSNP rs753005879, ClinGen allele CA379112846.